The following is an entry in ClinVar:

NM_001754.5(RUNX1):c.-59-76A>G

Genes: RUNX1 (RUNX family transcription factor 1; minus strand), LOC130066607 (ATAC-STARR-seq lymphoblastoid active region 18417; plus strand). Cytogenetic location: 21q22.12.
Variant type: single nucleotide variant.
Coding change: c.-59-76A>G on transcript NM_001754.5 (MANE Select); 76 bases into the intron before 59 bases upstream of the start codon, A replaced by G.
Molecular consequence: intron variant.
Genome position (GRCh38, 1-based): chr21:35,049,034, T>C on the plus strand (A>G on the coding strand, the complement: RUNX1 is on the minus strand). VCF-style: chr21-35049034-T-C. GRCh37 (hg19) VCF-style: chr21-36421331-T-C.
Identifiers: ClinVar variation 1292686 (VCV001292686.4), dbSNP rs56045941, ClinGen allele CA14870738.

ClinVar aggregate classification (germline): Benign. Review status: reviewed by expert panel (3 of 4 stars). 3 submissions from 3 submitters: Benign (1). 2 of the submissions do not count toward it. Last evaluated 2023-11-13.

Conditions:
Hereditary thrombocytopenia and hematologic cancer predisposition syndrome. Identifiers: Orphanet 71290, MedGen CN281654, MONDO:0011071.

Allele frequency attached by ClinVar (database versions not stated): 1000 Genomes Project 0.09385; 1000 Genomes Project 30x 0.09494; TOPMed 0.13956.
gnomAD v4.1: 112,944 of 774,748 alleles (15%); highest among the groups gnomAD compares: Middle Eastern, 23%; 9,157 homozygotes.

Submissions (3):

ClinGen Myeloid Malignancy Variant Curation Expert Panel
Classification: Benign for Hereditary thrombocytopenia and hematologic cancer predisposition syndrome. Last evaluated: 2023-11-13. Review status: reviewed by expert panel. Criteria: ClinGen MyeloMalig ACMG Specifications v2. Collection method: curation. Allele origin: germline. Inheritance: Autosomal dominant inheritance.
Comment: The c.-59+103A>G variant is a deep intronic variant that is not predicted by SpliceAI to impact splicing (BP4); in addition, an evolutionary conservation algorithm predicts the site as being non-conserved (PhyloP score = -1.85391 in GRCh38), and the variant allele is the reference nucleotide in one primate and/or three mammal species (BP7). The variant's highest population minor allele frequency in gnomAD v3 is 0.1436 (11062/67898 alleles) in the non-Finnish European population, which is higher than the ClinGen Myeloid Malignancy threshold (>0.0015) for BA1; in addition, this allele count includes 1672 homozygotes, and there are no reports of probands with homozygous pathogenic variants plus RUNX1-deficient mice are embryonic lethal (BP2). The variant also has not been reported in germline cases (PMID: 29472484), although there is some suggestion that this variant may represent an quantitative trait locus (PMID: 25685889, PMID: 31748747) and/or functional SNP (PMID: 28238063). In summary, this variant meets the criteria to be classified as benign for hereditary thrombocytopenia and hematologic cancer predisposition syndrome based on the ACMG/AMP criteria applied, as specified by the ClinGen Myeloid Malignancy VCEP: BA1, BP2, BP4, and BP7.

GeneDx
Classification: Benign. Last evaluated: 2018-06-22. Review status: criteria provided, single submitter. Criteria: GeneDx Variant Classification Process June 2021. Collection method: clinical testing. Allele origin: germline. Affected: yes. Not counted in ClinVar's aggregate classification.

Breakthrough Genomics
Classification: Benign. Review status: criteria provided, single submitter. Criteria: ACMG Guidelines, 2015. Collection method: not provided. Allele origin: germline. Inheritance: Autosomal dominant inheritance. Affected: yes. Not counted in ClinVar's aggregate classification.